The following is an entry in ClinVar:

ClinVar aggregate classification (germline): Likely pathogenic (1 of 4 stars; one submission).

Conditions:
VISS syndrome. Also called: VASCULAR ANEURYSM, IMMUNE DYSREGULATION, SKELETAL ANOMALIES, AND SKIN AND JOINT LAXITY. Identifiers: MedGen C5561955, MONDO:0859177, OMIM 619472.

Submission:

Department of Clinical Genetics, Copenhagen University Hospital, Rigshospitalet
Classification: Likely pathogenic for VISS syndrome. Last evaluated: 2024-08-15. Review status: criteria provided, single submitter. Criteria: ACMG Guidelines, 2015. Collection method: clinical testing. Allele origin: germline. Affected: yes.
Comment: Variant was found in homozygot form. The following ACMG criteria is used: PM2_Supporting, PVS1

NM_006390.4(IPO8):c.1216_1220del (p.Lys406fs)

Gene: IPO8 (importin 8; minus strand). Cytogenetic location: 12p11.21.
Variant type: Microsatellite.
Coding change: c.1216_1220del on transcript NM_006390.4 (MANE Select); coding-DNA positions 1216 to 1220, 5 bases deleted (AAAGA; older notation c.1216_1220delAAAGA).
Protein change: p.Lys406fs; shifts the reading frame from lysine 406.
Molecular consequence: frameshift variant.
Genome position (GRCh38, 1-based): chr12:30,666,176-30,666,180, TCTTT deleted on the plus strand (AAAGA on the coding strand, the reverse complement: IPO8 is on the minus strand); deleting any 5 consecutive bases within chr12:30,666,176-30,666,190 gives the same sequence; the c. name uses the placement nearest the transcript's 3' end. VCF-style (leftmost placement, unchanged base first): chr12-30666175-CTCTTT-C. GRCh37 (hg19) VCF-style: chr12-30819109-CTCTTT-C.
Other names: c.601_605del, p.Lys201fs (NM_001190995.2); c.1216_1220delAAAGA (NM_006390.4); short protein forms K201fs, K406fs.
Identifiers: ClinVar variation 3387778 (VCV003387778.1).